The following is an entry in ClinVar:

ClinVar aggregate classification (germline): Likely pathogenic (1 of 4 stars; one submission).

Submission:

GeneDx
Classification: Likely pathogenic. Last evaluated: 2024-03-03. Review status: criteria provided, single submitter. Criteria: GeneDx Variant Classification Process June 2021. Collection method: clinical testing. Allele origin: germline. Affected: yes.
Comment: Nonsense variant predicted to result in protein truncation or nonsense mediated decay in a gene for which loss of function is a known mechanism of disease; Not observed at significant frequency in large population cohorts (gnomAD); Has not been previously published as pathogenic or benign to our knowledge

NM_001792.5(CDH2):c.345G>A (p.Trp115Ter)

Gene: CDH2 (cadherin 2; minus strand). Cytogenetic location: 18q12.1.
Variant type: single nucleotide variant.
Coding change: c.345G>A on transcript NM_001792.5 (MANE Select); coding-DNA position 345, G replaced by A.
Protein change: p.Trp115Ter; replaces tryptophan 115 with a stop codon.
Molecular consequence: nonsense.
Genome position (GRCh38, 1-based): chr18:28,013,737, C>T on the plus strand (G>A on the coding strand, the complement: CDH2 is on the minus strand). VCF-style: chr18-28013737-C-T. GRCh37 (hg19) VCF-style: chr18-25593701-C-T.
Other names: c.252G>A, p.Trp84Ter (NM_001308176.2); short protein forms W115*, W84*.
Identifiers: ClinVar variation 2443606 (VCV002443606.2), dbSNP rs2510818669, ClinGen allele CA402244194.